The following is an entry in ClinVar:

NM_004959.5(NR5A1):c.103-5C>T

Gene: NR5A1 (nuclear receptor subfamily 5 group A member 1; minus strand). Cytogenetic location: 9q33.3.
Variant type: single nucleotide variant.
Coding change: c.103-5C>T on transcript NM_004959.5 (MANE Select); 5 bases into the intron before coding-DNA position 103, C replaced by T.
Molecular consequence: intron variant.
Genome position (GRCh38, 1-based): chr9:124,503,225, G>A on the plus strand (C>T on the coding strand, the complement: NR5A1 is on the minus strand). VCF-style: chr9-124503225-G-A. GRCh37 (hg19) VCF-style: chr9-127265504-G-A.
Identifiers: ClinVar variation 5039244 (VCV005039244.1).

ClinVar aggregate classification (germline): Likely benign (1 of 4 stars; one submission).

gnomAD v4.1: 11 of 1,604,424 alleles (0.00069%); highest among the groups gnomAD compares: East Asian, 0.016%; no homozygotes.

Submission:

CeGaT Center for Human Genetics Tuebingen
Classification: Likely benign. Last evaluated: 2026-08-01. Review status: criteria provided, single submitter. Criteria: CeGaT Center For Human Genetics Tuebingen Variant Classification Criteria Version 2. Collection method: clinical testing. Allele origin: germline. Affected: yes. Observed: 1 variant allele.
Comment: NR5A1: BP4